The following is an entry in ClinVar:

ClinVar aggregate classification (germline): Uncertain significance (1 of 4 stars; one submission).

Submission:

GeneDx
Classification: Uncertain significance. Last evaluated: 2025-09-23. Review status: criteria provided, single submitter. Criteria: GeneDx Variant Classification Process June 2021. Collection method: clinical testing. Allele origin: germline. Affected: yes.
Comment: Not observed at significant frequency in large population cohorts (gnomAD); In silico analysis suggests that this missense variant does not alter protein structure/function; Has not been previously published as pathogenic or benign to our knowledge

NM_005121.3(MED13):c.3652A>T (p.Ser1218Cys)

Gene: MED13 (mediator complex subunit 13; minus strand). Cytogenetic location: 17q23.2.
Variant type: single nucleotide variant.
Coding change: c.3652A>T on transcript NM_005121.3 (MANE Select); coding-DNA position 3652, A replaced by T.
Protein change: p.Ser1218Cys; replaces serine 1218 with cysteine.
Molecular consequence: missense variant.
Genome position (GRCh38, 1-based): chr17:61,982,351, T>A on the plus strand (A>T on the coding strand, the complement: MED13 is on the minus strand). VCF-style: chr17-61982351-T-A. GRCh37 (hg19) VCF-style: chr17-60059712-T-A.
Other names: short protein forms S1218C.
Identifiers: ClinVar variation 3901430 (VCV003901430.2).